The following is an entry in ClinVar:

ClinVar aggregate classification (germline): Uncertain significance. Review status: criteria provided, multiple submitters, no conflicts (2 of 4 stars). 4 submissions from 4 submitters: Uncertain significance (4). Last evaluated 2023-03-02.

Conditions:
Charcot-Marie-Tooth disease type 4H (CMT4H). Also called: CHARCOT-MARIE-TOOTH DISEASE, DEMYELINATING, TYPE 4H; CHARCOT-MARIE-TOOTH DISEASE, AUTOSOMAL RECESSIVE, TYPE 4H; CHARCOT-MARIE-TOOTH DISEASE, DEMYELINATING, AUTOSOMAL RECESSIVE, TYPE 4H; CHARCOT-MARIE-TOOTH NEUROPATHY, TYPE 4H. Identifiers: Orphanet 99954, MedGen C1836336, MONDO:0012250, OMIM 609311.
Charcot-Marie-Tooth disease type 4. Also called: Charcot-Marie-Tooth disease, type IV; Charcot-Marie-Tooth, Type 4. Identifiers: Orphanet 64749, MedGen C4082197, MONDO:0018995.
Inborn genetic diseases. Identifiers: MedGen C0950123, MeSH D030342.

Allele frequency attached by ClinVar (database versions not stated): gnomAD 0.00001; gnomAD exomes 0.00002 and 0.00004; TOPMed 0.00002; ExAC 0.00006; ESP Exome Variant Server 0.00008.
gnomAD v4.1: 35 of 1,614,080 alleles (0.0022%); highest among the groups gnomAD compares: Middle Eastern, 0.033%; no homozygotes.

Submissions (4):

Mayo Clinic Laboratories, Mayo Clinic
Classification: Uncertain significance. Last evaluated: 2023-03-02. Review status: criteria provided, single submitter. Criteria: ACMG Guidelines, 2015. Collection method: clinical testing. Allele origin: germline. Observed: 1 variant allele.
Comment: BP4, PM2

Department of Pathology and Laboratory Medicine, Sinai Health System
Classification: Uncertain significance for Charcot-Marie-Tooth disease type 4H. Last evaluated: 2022-12-02. Review status: criteria provided, single submitter. Criteria: ACMG Guidelines, 2015. Collection method: research. Allele origin: germline.

Labcorp Genetics (formerly Invitae), Labcorp
Classification: Uncertain significance for Charcot-Marie-Tooth disease type 4. Last evaluated: 2022-08-15. Review status: criteria provided, single submitter. Criteria: Invitae Variant Classification Sherloc (09022015). Collection method: clinical testing. Allele origin: germline.
Comment: This sequence change replaces glycine, which is neutral and non-polar, with glutamic acid, which is acidic and polar, at codon 76 of the FGD4 protein (p.Gly76Glu). This variant is present in population databases (rs61754560, gnomAD 0.01%). This variant has not been reported in the literature in individuals affected with FGD4-related conditions. ClinVar contains an entry for this variant (Variation ID: 948817). Algorithms developed to predict the effect of missense changes on protein structure and function (SIFT, PolyPhen-2, Align-GVGD) all suggest that this variant is likely to be tolerated. In summary, the available evidence is currently insufficient to determine the role of this variant in disease. Therefore, it has been classified as a Variant of Uncertain Significance.

Ambry Genetics
Classification: Uncertain significance for Inborn genetic diseases. Last evaluated: 2019-12-26. Review status: criteria provided, single submitter. Criteria: Ambry Variant Classification Scheme 2023. Collection method: clinical testing. Allele origin: germline.
Comment: The p.G76E variant (also known as c.227G>A), located in coding exon 2 of the FGD4 gene, results from a G to A substitution at nucleotide position 227. The glycine at codon 76 is replaced by glutamic acid, an amino acid with similar properties. This amino acid position is not well conserved in available vertebrate species, and glutamic acid is the reference amino acid in other vertebrate species. In addition, this alteration is predicted to be tolerated by in silico analysis. Since supporting evidence is limited at this time, the clinical significance of this alteration remains unclear.

NM_001370298.3(FGD4):c.638G>A (p.Gly213Glu)

Gene: FGD4 (FYVE, RhoGEF and PH domain containing 4; plus strand). Cytogenetic location: 12p11.21.
Variant type: single nucleotide variant.
Coding change: c.638G>A on transcript NM_001370298.3 (MANE Select); coding-DNA position 638, G replaced by A.
Protein change: p.Gly213Glu; replaces glycine 213 with glutamic acid.
Molecular consequence: missense variant. On other transcripts: 5 prime UTR variant (5), non-coding transcript variant (1), intron variant (1).
Genome position (GRCh38, 1-based): chr12:32,582,094, G>A. VCF-style: chr12-32582094-G-A. GRCh37 (hg19) VCF-style: chr12-32735028-G-A.
Other names: p.Gly76Glu; c.227G>A (NM_139241.2); c.482G>A, p.Gly161Glu (NM_001304481.2); c.-618G>A (NM_001304483.2); c.-925G>A (NM_001304484.2); c.-53G>A (NM_001330373.2, NM_001330374.2, NM_001384130.1); c.638G>A, p.Gly213Glu (NM_001384126.1); c.227G>A, p.Gly76Glu (NM_001384127.1, NM_001384128.1, NM_001384131.1 and 3 more transcripts); and 1 more; short protein forms G161E, G76E, G213E.
Identifiers: ClinVar variation 948817 (VCV000948817.10), dbSNP rs61754560, ClinGen allele CA6506602.
Genomic context (GRCh38, chr12:32,582,094, plus strand): 5'-ATGGATTGACAACCACACCTCAACAAAAACTCCTCTCCCAGCACTTGCCACAGAGGCAGG[G>A]AAATGATACAGATAAGACTCAGGGTGCACAGACTTGTGTGGCCAACGGTGTAATGGCAGC-3'
Protein context (NP_001357227.2, residues 203-223): LLSQHLPQRQ[Gly213Glu]NDTDKTQGAQ